The following is an entry in ClinVar:

ClinVar aggregate classification (germline): Uncertain significance (1 of 4 stars; one submission).

Conditions:
Duchenne muscular dystrophy (DMD). Also called: MUSCULAR DYSTROPHY, PSEUDOHYPERTROPHIC PROGRESSIVE, DUCHENNE TYPE; Duchenne Muscular Dystrophy (DMD). Identifiers: Orphanet 98896, MedGen C0013264, MONDO:0010679, OMIM 310200.

gnomAD v4.1: 9 of 1,210,514 alleles (0.00074%); highest among the groups gnomAD compares: Non-Finnish European, 0.001%; no homozygotes.

Submission:

Labcorp Genetics (formerly Invitae), Labcorp
Classification: Uncertain significance for Duchenne muscular dystrophy. Last evaluated: 2022-10-07. Review status: criteria provided, single submitter. Criteria: Invitae Variant Classification Sherloc (09022015). Collection method: clinical testing. Allele origin: germline.
Comment: This variant is not present in population databases (gnomAD no frequency). In summary, the available evidence is currently insufficient to determine the role of this variant in disease. Therefore, it has been classified as a Variant of Uncertain Significance. Advanced modeling of protein sequence and biophysical properties (such as structural, functional, and spatial information, amino acid conservation, physicochemical variation, residue mobility, and thermodynamic stability) performed at Invitae indicates that this missense variant is not expected to disrupt DMD protein function. This variant has not been reported in the literature in individuals affected with DMD-related conditions. This sequence change replaces valine, which is neutral and non-polar, with leucine, which is neutral and non-polar, at codon 260 of the DMD protein (p.Val260Leu).

NM_004006.3(DMD):c.778G>C (p.Val260Leu)

Gene: DMD (dystrophin; minus strand). Cytogenetic location: Xp21.1.
Variant type: single nucleotide variant.
Coding change: c.778G>C on transcript NM_004006.3 (MANE Select); coding-DNA position 778, G replaced by C.
Protein change: p.Val260Leu; replaces valine 260 with leucine.
Molecular consequence: missense variant.
Genome position (GRCh38, 1-based): chrX:32,699,165, C>G on the plus strand (G>C on the coding strand, the complement: DMD is on the minus strand). VCF-style: chrX-32699165-C-G. GRCh37 (hg19) VCF-style: chrX-32717282-C-G.
Other names: c.754G>C, p.Val252Leu (NM_000109.4); c.766G>C, p.Val256Leu (NM_004009.3); c.409G>C, p.Val137Leu (NM_004010.3); short protein forms V137L, V252L, V256L, V260L.
Identifiers: ClinVar variation 2187658 (VCV002187658.4), dbSNP rs1055397247, ClinGen allele CA412668903.